The following is an entry in ClinVar:

ClinVar aggregate classification (germline): Uncertain significance (1 of 4 stars; one submission).

Conditions:
Autosomal dominant distal renal tubular acidosis (DRTA1). Also called: RENAL TUBULAR ACIDOSIS, DISTAL, 1; Renal Tubular Acidosis, Type I; RTA, CLASSIC TYPE; RTA, DISTAL TYPE, AUTOSOMAL DOMINANT; RTA, GRADIENT TYPE. Identifiers: Orphanet 93608, MedGen CN280572, MONDO:0008368, OMIM 179800.

gnomAD v4.1: 2 of 1,612,848 alleles (0.00012%); highest among the groups gnomAD compares: South Asian, 0.0011%; no homozygotes.

Submission:

Neuberg Centre For Genomic Medicine, NCGM
Classification: Uncertain significance for Autosomal dominant distal renal tubular acidosis. Review status: criteria provided, single submitter. Criteria: ACMG Guidelines, 2015. Collection method: clinical testing. Allele origin: germline. Inheritance: Autosomal dominant inheritance. Affected: yes.
Comment: The missense variant p.A668S in SLC4A1 (NM_000342.4) has not been reported previously as a pathogenic variant nor as a benign variant, to our knowledge. The p.A668S variant is novel (not in any individuals) in gnomAD Exomes. There is a moderate physicochemical difference between alanine and serine. In silico tools predict the variant to be tolerated. The residue is conserved across species. The amino acid change p.Ala668Ser in SLC4A1 is predicted as conserved by GERP++ and PhyloP across 100 vertebrates. For these reasons, this variant has been classified as Uncertain Significance.

NM_000342.4(SLC4A1):c.2002G>T (p.Ala668Ser)

Gene: SLC4A1 (solute carrier family 4 member 1 (Diego blood group); minus strand). Cytogenetic location: 17q21.31.
Variant type: single nucleotide variant.
Coding change: c.2002G>T on transcript NM_000342.4 (MANE Select); coding-DNA position 2002, G replaced by T.
Protein change: p.Ala668Ser; replaces alanine 668 with serine.
Molecular consequence: missense variant.
Genome position (GRCh38, 1-based): chr17:44,254,551, C>A on the plus strand (G>T on the coding strand, the complement: SLC4A1 is on the minus strand). VCF-style: chr17-44254551-C-A. GRCh37 (hg19) VCF-style: chr17-42331919-C-A.
Other names: short protein forms A668S.
Identifiers: ClinVar variation 2585216 (VCV002585216.1), dbSNP rs368353943, ClinGen allele CA399782712.